The following is an entry in ClinVar:

NM_001079802.2(FKTN):c.567G>C (p.Leu189Phe)

Gene: FKTN (fukutin; plus strand). Cytogenetic location: 9q31.2.
Variant type: single nucleotide variant.
Coding change: c.567G>C on transcript NM_001079802.2 (MANE Select); coding-DNA position 567, G replaced by C.
Protein change: p.Leu189Phe; replaces leucine 189 with phenylalanine.
Molecular consequence: missense variant. On other transcripts: non-coding transcript variant (2).
Genome position (GRCh38, 1-based): chr9:105,604,412, G>C. VCF-style: chr9-105604412-G-C. GRCh37 (hg19) VCF-style: chr9-108366693-G-C.
Other names: c.567G>C, p.Leu189Phe (NM_001198963.2, NM_001351496.2, NM_001351498.2 and 1 more transcripts); c.498G>C, p.Leu166Phe (NM_001351497.2); c.171G>C, p.Leu57Phe (NM_001351499.2, NM_001351500.2, NM_001351501.2 and 1 more transcripts); short protein forms L166F, L189F, L57F.
Identifiers: ClinVar variation 1021038 (VCV001021038.8), dbSNP rs988842962, ClinGen allele CA374332272.

ClinVar aggregate classification (germline): Uncertain significance (1 of 4 stars; one submission).

Conditions:
Walker-Warburg congenital muscular dystrophy. Also called: Muscular dystrophy-dystroglycanopathy, type A; Walker-Warburg syndrome. Identifiers: Orphanet 899, MedGen C0265221, MONDO:0000171.

gnomAD v4.1: 3 of 1,614,018 alleles (0.00019%); highest among the groups gnomAD compares: African/African-American, 0.0013%; no homozygotes.

Submission:

Labcorp Genetics (formerly Invitae), Labcorp
Classification: Uncertain significance for Walker-Warburg congenital muscular dystrophy. Last evaluated: 2023-12-06. Review status: criteria provided, single submitter. Criteria: Invitae Variant Classification Sherloc (09022015). Collection method: clinical testing. Allele origin: germline.
Comment: This sequence change replaces leucine, which is neutral and non-polar, with phenylalanine, which is neutral and non-polar, at codon 189 of the FKTN protein (p.Leu189Phe). This variant is not present in population databases (gnomAD no frequency). This variant has not been reported in the literature in individuals affected with FKTN-related conditions. ClinVar contains an entry for this variant (Variation ID: 1021038). Advanced modeling of protein sequence and biophysical properties (such as structural, functional, and spatial information, amino acid conservation, physicochemical variation, residue mobility, and thermodynamic stability) has been performed at Invitae for this missense variant, however the output from this modeling did not meet the statistical confidence thresholds required to predict the impact of this variant on FKTN protein function. In summary, the available evidence is currently insufficient to determine the role of this variant in disease. Therefore, it has been classified as a Variant of Uncertain Significance.